The following is an entry in ClinVar:

ClinVar aggregate classification (germline): Uncertain significance (1 of 4 stars; one submission).

Conditions:
Congenital myotonia, autosomal dominant form (THD). Also called: THOMSEN DISEASE; Myotonia congenita autosomal dominant. Identifiers: Orphanet 614, MedGen C2936781, MONDO:0008055, OMIM 160800.
Congenital myotonia, autosomal recessive form. Also called: BECKER DISEASE; Becker Generalized Myotonia; myotonia congenita, autosomal recessive. Identifiers: Orphanet 614, MedGen C0751360, MONDO:0009715, OMIM 255700.

Submission:

Kariminejad - Najmabadi Pathology & Genetics Center
Classification: Uncertain significance for Congenital myotonia, autosomal dominant form; Congenital myotonia, autosomal recessive form. Last evaluated: 2023-11-13. Review status: criteria provided, single submitter. Criteria: ACMG Guidelines, 2015. Collection method: clinical testing. Allele origin: germline. Inheritance: Autosomal recessive inheritance. Affected: yes.
Comment: PM2_Moderate,PP3_supporting

NM_000083.3(CLCN1):c.775-6_775-5delinsAG

Gene: CLCN1 (chloride voltage-gated channel 1; plus strand). Cytogenetic location: 7q34.
Variant type: Indel.
Coding change: c.775-6_775-5delinsAG on transcript NM_000083.3 (MANE Select); 6 bases into the intron before coding-DNA position 775 through 5 bases into the intron before coding-DNA position 775, TA replaced by AG.
Molecular consequence: intron variant.
Genome position (GRCh38, 1-based): chr7:143,324,408-143,324,409, TA replaced by AG. VCF-style: chr7-143324408-TA-AG. GRCh37 (hg19) VCF-style: chr7-143021501-TA-AG.
Identifiers: ClinVar variation 3896813 (VCV003896813.1).
Genomic context (GRCh38, chr7:143,324,408, plus strand): 5'-TTCTGTCCTCTGCCTGCCCACCTCCCTCTCTTCCACCTGTTTCTCTGTCTGTCTCTCCCC[TA>AG]GTAGCAGCCATACTACTACTCTGATATCCTGACGGTGGGCTGTGCTGTGGGAGTCGGCTG-3'